The following is an entry in ClinVar:

NM_005744.5(ARIH1):c.234_242dup (p.Gly90_Pro91insGlyGlyGly)

Gene: ARIH1 (ariadne RBR E3 ubiquitin protein ligase 1; plus strand). Cytogenetic location: 15q24.1.
Variant type: Duplication.
Coding change: c.234_242dup on transcript NM_005744.5 (MANE Select); coding-DNA positions 234 to 242, 9 bases duplicated (TGGCGGCGG; older notation c.234_242dupTGGCGGCGG).
Protein change: p.Gly90_Pro91insGlyGlyGly.
Molecular consequence: inframe insertion.
Genome position (GRCh38, 1-based): chr15:72,474,873-72,474,881, TGGCGGCGG duplicated; duplicating any 9 consecutive bases within chr15:72,474,867-72,474,881 gives the same sequence; the c. name uses the placement nearest the transcript's 3' end. VCF-style (leftmost placement, unchanged base first): chr15-72474866-C-CCGGCGGTGG. GRCh37 (hg19) VCF-style: chr15-72767207-C-CCGGCGGTGG.
Identifiers: ClinVar variation 2999222 (VCV002999222.3), dbSNP rs1490595766, ClinGen allele CA618963030.

ClinVar aggregate classification (germline): Uncertain significance (1 of 4 stars; one submission).

Submission:

Labcorp Genetics (formerly Invitae), Labcorp
Classification: Uncertain significance. Last evaluated: 2024-11-27. Review status: criteria provided, single submitter. Criteria: Invitae Variant Classification Sherloc (09022015). Collection method: clinical testing. Allele origin: germline.
Comment: This variant, c.234_242dup, results in the insertion of 3 amino acid(s) of the ARIH1 protein (p.Gly88_Gly90dup), but otherwise preserves the integrity of the reading frame. The frequency data for this variant in the population databases is considered unreliable, as metrics indicate poor data quality at this position in the gnomAD database. This variant has not been reported in the literature in individuals affected with ARIH1-related conditions. ClinVar contains an entry for this variant (Variation ID: 2999222). In summary, the available evidence is currently insufficient to determine the role of this variant in disease. Therefore, it has been classified as a Variant of Uncertain Significance.